The following is an entry in ClinVar:

NM_002474.3(MYH11):c.2201A>G (p.Asn734Ser)

Gene: MYH11 (myosin heavy chain 11; minus strand). Cytogenetic location: 16p13.11.
Variant type: single nucleotide variant.
Coding change: c.2201A>G on transcript NM_002474.3 (MANE Select); coding-DNA position 2201, A replaced by G.
Protein change: p.Asn734Ser; replaces asparagine 734 with serine.
Molecular consequence: missense variant.
Genome position (GRCh38, 1-based): chr16:15,747,923, T>C on the plus strand (A>G on the coding strand, the complement: MYH11 is on the minus strand). VCF-style: chr16-15747923-T-C. GRCh37 (hg19) VCF-style: chr16-15841780-T-C.
Other names: c.2222A>G, p.Asn741Ser (NM_001040113.2, NM_001040114.2); c.2201A>G, p.Asn734Ser (NM_022844.3); short protein forms N734S, N741S.
Identifiers: ClinVar variation 4975376 (VCV004975376.1).
Genomic context (GRCh38, chr16:15,747,923, plus strand): 5'-TCTGGGCTCACCATGAGAATGCAGGCCTGCTTCCCGTCCATGAAGCCTTTGGGGATGGCA[T>C]TCGCCGCCAGGATCTCGTAGCTTGAAACACAGAGCAGAAGTCACCCCGGGTACCTCCAGC-3'
Protein context (NP_002465.1, residues 724-744): FRQRYEILAA[Asn734Ser]AIPKGFMDGK

ClinVar aggregate classification (germline): Uncertain significance (1 of 4 stars; one submission).

Submission:

GeneDx
Classification: Uncertain significance. Last evaluated: 2026-02-02. Review status: criteria provided, single submitter. Criteria: GeneDx Variant Classification Process June 2021. Collection method: clinical testing. Allele origin: germline.
Comment: Not observed at significant frequency in large population cohorts (gnomAD); In silico analysis supports that this missense variant has a deleterious effect on protein structure/function; Has not been previously published as pathogenic or benign to our knowledge